The following is an entry in ClinVar:

NM_020822.3(KCNT1):c.2767C>T (p.His923Tyr)

Gene: KCNT1 (potassium sodium-activated channel subfamily T member 1; plus strand). Cytogenetic location: 9q34.3.
Variant type: single nucleotide variant.
Coding change: c.2767C>T on transcript NM_020822.3 (MANE Select); coding-DNA position 2767, C replaced by T.
Protein change: p.His923Tyr; replaces histidine 923 with tyrosine.
Molecular consequence: missense variant.
Genome position (GRCh38, 1-based): chr9:135,779,396, C>T. VCF-style: chr9-135779396-C-T. GRCh37 (hg19) VCF-style: chr9-138671242-C-T.
Other names: c.2632C>T, p.His878Tyr (NM_001272003.2); short protein forms H878Y, H923Y.
Identifiers: ClinVar variation 2938069 (VCV002938069.3), dbSNP rs2491046008, ClinGen allele CA375515491.

ClinVar aggregate classification (germline): Uncertain significance (1 of 4 stars; one submission).

Conditions:
Autosomal dominant nocturnal frontal lobe epilepsy 5. Also called: Epilepsy, nocturnal frontal lobe, 5; CILIARY DYSKINESIA, PRIMARY, 28, WITHOUT SITUS INVERSUS; CILIARY DYSKINESIA, PRIMARY, 28, WITH SITUS INVERSUS; KCNT1-Related Epilepsy. Identifiers: Orphanet 98784, MedGen C3554306, MONDO:0014002, OMIM 615005.
Developmental and epileptic encephalopathy, 14 (DEE14). Also called: Early infantile epileptic encephalopathy 14. Identifiers: Orphanet 293181, MedGen C3554195, MONDO:0013989, OMIM 614959.

Allele frequency attached by ClinVar (database versions not stated): gnomAD exomes below 0.00001.
gnomAD v4.1: 1 of 1,613,962 alleles (0.000062%); highest among the groups gnomAD compares: East Asian, 0.0022%; no homozygotes.

Submission:

Labcorp Genetics (formerly Invitae), Labcorp
Classification: Uncertain significance for Autosomal dominant nocturnal frontal lobe epilepsy 5; Developmental and epileptic encephalopathy, 14. Last evaluated: 2024-04-09. Review status: criteria provided, single submitter. Criteria: Invitae Variant Classification Sherloc (09022015). Collection method: clinical testing. Allele origin: germline.
Comment: This sequence change replaces histidine, which is basic and polar, with tyrosine, which is neutral and polar, at codon 923 of the KCNT1 protein (p.His923Tyr). This variant is not present in population databases (gnomAD no frequency). This variant has not been reported in the literature in individuals affected with KCNT1-related conditions. Advanced modeling of protein sequence and biophysical properties (such as structural, functional, and spatial information, amino acid conservation, physicochemical variation, residue mobility, and thermodynamic stability) performed at Invitae indicates that this missense variant is not expected to disrupt KCNT1 protein function with a negative predictive value of 80%. In summary, the available evidence is currently insufficient to determine the role of this variant in disease. Therefore, it has been classified as a Variant of Uncertain Significance.